The following is an entry in ClinVar:

ClinVar aggregate classification (germline): Uncertain significance (1 of 4 stars; one submission).

Conditions:
Primary ciliary dyskinesia. Also called: Ciliary dyskinesia. Identifiers: Orphanet 244, MedGen C0008780, MONDO:0016575, HP:0012265.

Submission:

Labcorp Genetics (formerly Invitae), Labcorp
Classification: Uncertain significance for Primary ciliary dyskinesia. Last evaluated: 2016-06-22. Review status: criteria provided, single submitter. Criteria: Invitae Variant Classification Sherloc (09022015). Collection method: clinical testing. Allele origin: germline.
Comment: This variant has not been published in the literature and is not present in population databases. In summary, this is a novel missense change with uncertain impact on protein function. It has been classified as a Variant of Uncertain Significance. Algorithms developed to predict the effect of missense changes on protein structure and function do not agree on the potential impact of this missense change (SIFT: "tolerated"; PolyPhen-2: "possibly damaging"; Align-GVGD: "Class C0"). This sequence change replaces glutamic acid with glutamine at codon 43 of the DNAH11 protein (p.Glu43Gln). The glutamic acid residue is weakly conserved and there is a small physicochemical difference between glutamic acid and glutamine.

NM_001277115.2(DNAH11):c.127G>C (p.Glu43Gln)

Gene: DNAH11 (dynein axonemal heavy chain 11; plus strand). Cytogenetic location: 7p15.3.
Variant type: single nucleotide variant.
Coding change: c.127G>C on transcript NM_001277115.2 (MANE Select); coding-DNA position 127, G replaced by C.
Protein change: p.Glu43Gln; replaces glutamic acid 43 with glutamine.
Molecular consequence: missense variant.
Genome position (GRCh38, 1-based): chr7:21,543,372, G>C. VCF-style: chr7-21543372-G-C. GRCh37 (hg19) VCF-style: chr7-21582990-G-C.
Other names: short protein forms E43Q.
Identifiers: ClinVar variation 1052580 (VCV001052580.7), dbSNP rs1583467748, ClinGen allele CA366931200.